The following is an entry in ClinVar:

ClinVar aggregate classification (germline): Uncertain significance (1 of 4 stars; one submission).

Submission:

Labcorp Genetics (formerly Invitae), Labcorp
Classification: Uncertain significance. Last evaluated: 2025-06-24. Review status: criteria provided, single submitter. Criteria: Invitae Variant Classification Sherloc (09022015). Collection method: clinical testing. Allele origin: germline.
Comment: This sequence change replaces alanine, which is neutral and non-polar, with valine, which is neutral and non-polar, at codon 827 of the UNC80 protein (p.Ala827Val). This variant is not present in population databases (gnomAD no frequency). This variant has not been reported in the literature in individuals affected with UNC80-related conditions. An algorithm developed to predict the effect of missense changes on protein structure and function (PolyPhen-2) suggests that this variant is likely to be disruptive. In summary, the available evidence is currently insufficient to determine the role of this variant in disease. Therefore, it has been classified as a Variant of Uncertain Significance.

NM_001371986.1(UNC80):c.2480C>T (p.Ala827Val)

Gene: UNC80 (unc-80 subunit of NALCN channel complex; plus strand). Cytogenetic location: 2q34.
Variant type: single nucleotide variant.
Coding change: c.2480C>T on transcript NM_001371986.1 (MANE Select); coding-DNA position 2480, C replaced by T.
Protein change: p.Ala827Val; replaces alanine 827 with valine.
Molecular consequence: missense variant.
Genome position (GRCh38, 1-based): chr2:209,829,233, C>T. VCF-style: chr2-209829233-C-T. GRCh37 (hg19) VCF-style: chr2-210693957-C-T.
Other names: c.2480C>T, p.Ala827Val (NM_032504.2); c.2465C>T, p.Ala822Val (NM_182587.4); short protein forms A822V, A827V.
Identifiers: ClinVar variation 4722044 (VCV004722044.1).